The following is an entry in ClinVar:

ClinVar aggregate classification (germline): Uncertain significance (1 of 4 stars; one submission).

Conditions:
Glycine encephalopathy 1 (GCE1). Identifiers: MedGen CN376801, MONDO:0958179, OMIM 605899.

Submission:

3billion
Classification: Uncertain significance for Glycine encephalopathy 1. Last evaluated: 2025-12-18. Review status: criteria provided, single submitter. Criteria: ACMG Guidelines, 2015. Collection method: clinical testing. Allele origin: germline. Affected: yes.
Comment: The variant is not observed in the gnomAD v4.1.0 dataset. Predicted Consequence/Location: Missense variant In silico tool predictions suggest damaging effect of the variant on gene or gene product [REVEL: 0.92 (>=0.6, sensitivity 0.68 and specificity 0.92); 3Cnet: 0.93 (> 0.75, sensitivity 0.96 and precision 0.92)]. Therefore, this variant is classified as VUS according to the recommendation of ACMG/AMP guideline.

NM_000170.3(GLDC):c.992C>T (p.Ala331Val)

Gene: GLDC (glycine decarboxylase; minus strand). Cytogenetic location: 9p24.1.
Variant type: single nucleotide variant.
Coding change: c.992C>T on transcript NM_000170.3 (MANE Select); coding-DNA position 992, C replaced by T.
Protein change: p.Ala331Val; replaces alanine 331 with valine.
Molecular consequence: missense variant.
Genome position (GRCh38, 1-based): chr9:6,604,654, G>A on the plus strand (C>T on the coding strand, the complement: GLDC is on the minus strand). VCF-style: chr9-6604654-G-A. GRCh37 (hg19) VCF-style: chr9-6604654-G-A.
Other names: short protein forms A331V.
Identifiers: ClinVar variation 4855645 (VCV004855645.1).